The following is an entry in ClinVar:

NM_000038.6(APC):c.5465T>G (p.Val1822Gly)

Gene: APC (APC regulator of Wnt signaling pathway; plus strand). Cytogenetic location: 5q22.2.
Variant type: single nucleotide variant.
Coding change: c.5465T>G on transcript NM_000038.6 (MANE Select); coding-DNA position 5465, T replaced by G.
Protein change: p.Val1822Gly; replaces valine 1822 with glycine.
Molecular consequence: missense variant.
Genome position (GRCh38, 1-based): chr5:112,841,059, T>G. VCF-style: chr5-112841059-T-G. GRCh37 (hg19) VCF-style: chr5-112176756-T-G.
Other names: c.5465T>G, p.Val1822Gly (NM_001127510.3, NM_001354895.2); c.5411T>G, p.Val1804Gly (NM_001127511.3); c.5519T>G, p.Val1840Gly (NM_001354896.2); c.5495T>G, p.Val1832Gly (NM_001354897.2); c.5390T>G, p.Val1797Gly (NM_001354898.2); c.5381T>G, p.Val1794Gly (NM_001354899.2); c.5342T>G, p.Val1781Gly (NM_001354900.2); c.5288T>G, p.Val1763Gly (NM_001354901.2); and 5 more; short protein forms V1804G, V1822G, V1539G, V1696G, V1794G, V1662G, V1721G, V1832G.
Identifiers: ClinVar variation 231079 (VCV000231079.59), dbSNP rs459552, ClinGen allele CA10578404.
Genomic context (GRCh38, chr5:112,841,059, plus strand): 5'-AGAGAGTTTTCTCAGACAACAAAGATTCAAAGAAACAGAATTTGAAAAATAATTCCAAGG[T>G]CTTCAATGATAAGCTCCCAAATAATGAAGATAGAGTCAGAGGAAGTTTTGCTTTTGATTC-3'
Protein context (NP_000029.2, residues 1812-1832): KKQNLKNNSK[Val1822Gly]FNDKLPNNED

ClinVar aggregate classification (germline): Conflicting classifications of pathogenicity. Review status: criteria provided, conflicting classifications (1 of 4 stars). 6 submissions from 6 submitters: Uncertain significance (4); Likely benign (2). Last evaluated 2026-04-24.

Conditions:
Hereditary cancer-predisposing syndrome. Also called: Neoplastic Syndromes, Hereditary; Hereditary Cancer Syndrome; Tumor predisposition; Hereditary neoplastic syndrome. Identifiers: Orphanet 140162, MedGen C0027672, MeSH D009386, MONDO:0015356.
Familial adenomatous polyposis 1 (FAP1). Also called: FAMILIAL ADENOMATOUS POLYPOSIS 1, ATTENUATED; POLYPOSIS, ADENOMATOUS INTESTINAL. Identifiers: MedGen C2713442, MONDO:0021056, OMIM 175100. Disease mechanism: loss of function.

Submissions (6):

Ambry Genetics
Classification: Likely benign for Hereditary cancer-predisposing syndrome. Last evaluated: 2026-04-24. Review status: criteria provided, single submitter. Criteria: Ambry Variant Classification Scheme 2023. Collection method: clinical testing. Allele origin: germline.

Labcorp Genetics (formerly Invitae), Labcorp
Classification: Uncertain significance for Familial adenomatous polyposis 1. Last evaluated: 2024-10-24. Review status: criteria provided, single submitter. Criteria: Invitae Variant Classification Sherloc (09022015). Collection method: clinical testing. Allele origin: germline.
Comment: This sequence change replaces valine, which is neutral and non-polar, with glycine, which is neutral and non-polar, at codon 1822 of the APC protein (p.Val1822Gly). This variant is not present in population databases (gnomAD no frequency). This variant has not been reported in the literature in individuals affected with APC-related conditions. ClinVar contains an entry for this variant (Variation ID: 231079). Invitae Evidence Modeling of protein sequence and biophysical properties (such as structural, functional, and spatial information, amino acid conservation, physicochemical variation, residue mobility, and thermodynamic stability) indicates that this missense variant is not expected to disrupt APC protein function with a negative predictive value of 95%. In summary, the available evidence is currently insufficient to determine the role of this variant in disease. Therefore, it has been classified as a Variant of Uncertain Significance.

GeneDx
Classification: Uncertain significance. Last evaluated: 2024-03-25. Review status: criteria provided, single submitter. Criteria: GeneDx Variant Classification Process June 2021. Collection method: clinical testing. Allele origin: germline. Affected: yes.
Comment: Not observed at significant frequency in large population cohorts (gnomAD); In silico analysis supports that this missense variant does not alter protein structure/function; Has not been previously published as pathogenic or benign to our knowledge; This variant is associated with the following publications: (PMID: 18199528)

Sema4
Classification: Uncertain significance for Hereditary cancer-predisposing syndrome. Last evaluated: 2022-02-15. Review status: criteria provided, single submitter. Criteria: Sema4 Curation Guidelines. Collection method: curation. Allele origin: germline.
Comment: To the best of our knowledge, the APC c.5465T>G (p.V1822G) variant has not been reported in individuals with APC-related disease. It was not observed in the large and broad cohorts of the Genome Aggregation Database (PMID: 32461654). The variant has been reported in ClinVar (Variation ID 231079). Functional studies have not been performed, and in silico predictions of the variant's effect on protein function are inconclusive. The evidence is insufficient to meet ACMG/AMP criteria for classifying the variant as benign or pathogenic. Thus, the clinical significance of this variant is currently uncertain.

Women's Health and Genetics/Laboratory Corporation of America, LabCorp
Classification: Uncertain significance. Last evaluated: 2019-11-11. Review status: criteria provided, single submitter. Criteria: LabCorp Variant Classification Summary - May 2015. Collection method: clinical testing. Allele origin: germline.
Comment: Variant summary: APC c.5465T>G (p.Val1822Gly) results in a non-conservative amino acid change in the encoded protein sequence. Three of five in-silico tools predict a benign effect of the variant on protein function. The variant was absent in 250474 control chromosomes. The available data on variant occurrences in the general population are insufficient to allow any conclusion about variant significance. To our knowledge, no occurrence of c.5465T>G in individuals affected with Familial Adenomatous Polyposis and no experimental evidence demonstrating its impact on protein function have been reported. Two clinical diagnostic laboratories have submitted clinical-significance assessments for this variant to ClinVar after 2014 without evidence for independent evaluation. All laboratories classified the variant as uncertain significance. Based on the evidence outlined above, the variant was classified as uncertain significance.

Color Diagnostics, LLC DBA Color Health
Classification: Likely benign for Hereditary cancer-predisposing syndrome. Last evaluated: 2017-04-04. Review status: criteria provided, single submitter. Criteria: ACMG Guidelines, 2015. Collection method: clinical testing. Allele origin: germline.